The following is an entry in ClinVar:

ClinVar aggregate classification (germline): Pathogenic (1 of 4 stars; one submission).

Conditions:
Combined immunodeficiency due to DOCK8 deficiency (HIES2). Also called: HIES autosomal recessive; Hyper-IgE recurrent infection syndrome, autosomal recessive; HYPER-IgE RECURRENT INFECTION SYNDROME 2, AUTOSOMAL RECESSIVE; DOCK8 Deficiency; HYPER-IgE SYNDROME 2, AUTOSOMAL RECESSIVE, WITH RECURRENT INFECTIONS. Identifiers: Orphanet 217390, MedGen C4722305, MONDO:0009478, OMIM 243700.

Submission:

Labcorp Genetics (formerly Invitae), Labcorp
Classification: Pathogenic for Hyper-Immunoglobulin E Syndrome, Autosomal Recessive. Last evaluated: 2018-11-08. Review status: criteria provided, single submitter. Criteria: Invitae Variant Classification Sherloc (09022015). Collection method: clinical testing. Allele origin: germline.
Comment: A gross deletion of the genomic region encompassing the full coding sequence of the DOCK8 gene has been identified. The boundaries of this event are unknown as the deletion extends beyond the assayed region for this gene and therefore may encompass additional genes. This variant has been observed to segregate withÂ¬â€ DOCK8 deficiencyÂ¬â€ in a family (PMID:Â¬â€ 19776401). It has also been reported in individuals affected with DOCK8 deficiency (PMID:Â¬â€ 25724123,Â¬â€ 24797421). Loss-of-function variants in DOCK8 are known to be pathogenic (PMID: 14722525, 19776401,Â¬â€ 20622910). For these reasons, this variant has been classified as Pathogenic.

NC_000009.12:g.(?_214957)_(464239_?)del

Genes: DOCK8-AS1 (DOCK8 antisense RNA 1; minus strand), DOCK8 (dedicator of cytokinesis 8; plus strand), LOC130001438 (ATAC-STARR-seq lymphoblastoid silent region 19723; plus strand), LOC130001440 (ATAC-STARR-seq lymphoblastoid active region 28116; plus strand), LOC130001439 (ATAC-STARR-seq lymphoblastoid active region 28115; plus strand) and 2 more. Cytogenetic location: 9p24.3.
Variant type: Deletion.
Identifiers: ClinVar variation 662869 (VCV000662869.1).